The following is an entry in ClinVar:

ClinVar aggregate classification (germline): Uncertain significance (1 of 4 stars; one submission).

gnomAD v4.1: 2 of 1,614,122 alleles (0.00012%); highest among the groups gnomAD compares: Non-Finnish European, 0.00017%; no homozygotes.

Submission:

GeneDx
Classification: Uncertain significance. Last evaluated: 2022-07-05. Review status: criteria provided, single submitter. Criteria: GeneDx Variant Classification Process June 2021. Collection method: clinical testing. Allele origin: germline. Affected: yes.
Comment: Not observed at significant frequency in large population cohorts (gnomAD); In silico analysis supports that this missense variant has a deleterious effect on protein structure/function; Has not been previously published as pathogenic or benign to our knowledge

NM_001909.5(CTSD):c.380A>G (p.Lys127Arg)

Gene: CTSD (cathepsin D; minus strand). Cytogenetic location: 11p15.5.
Variant type: single nucleotide variant.
Coding change: c.380A>G on transcript NM_001909.5 (MANE Select); coding-DNA position 380, A replaced by G.
Protein change: p.Lys127Arg; replaces lysine 127 with arginine.
Molecular consequence: missense variant.
Genome position (GRCh38, 1-based): chr11:1,759,060, T>C on the plus strand (A>G on the coding strand, the complement: CTSD is on the minus strand). VCF-style: chr11-1759060-T-C. GRCh37 (hg19) VCF-style: chr11-1780290-T-C.
Other names: short protein forms K127R.
Identifiers: ClinVar variation 1810606 (VCV001810606.1), dbSNP rs1438409242, ClinGen allele CA379097621.